The following is an entry in ClinVar:

NM_015898.4(ZBTB7A):c.1245C>T (p.Cys415=)

Gene: ZBTB7A (zinc finger and BTB domain containing 7A; minus strand). Cytogenetic location: 19p13.3.
Variant type: single nucleotide variant.
Coding change: c.1245C>T on transcript NM_015898.4 (MANE Select); coding-DNA position 1245, C replaced by T.
Protein change: p.Cys415=; no amino-acid change (cysteine 415 retained).
Molecular consequence: synonymous variant.
Genome position (GRCh38, 1-based): chr19:4,053,988, G>A on the plus strand (C>T on the coding strand, the complement: ZBTB7A is on the minus strand). VCF-style: chr19-4053988-G-A. GRCh37 (hg19) VCF-style: chr19-4053986-G-A.
Other names: NC_000019.9:g.4053986G>A; c.1245C>T (NM_001317990.1); c.1245C>T, p.Cys415= (NM_001317990.2).
Identifiers: ClinVar variation 4440115 (VCV004440115.7).
Genomic context (GRCh38, chr19:4,053,988, plus strand): 5'-GGCAGAGAGCAGGACGGCGCCTCCCCCGCGGCGGGCAGCTCACCTGGTGAAGCGGACCTT[G>A]CAGATGTTGCACTCGTAGGGCTTCTCGCCCGTGTGGGTGCGGATGTGTCGCGGCAGCTTG-3'
Protein context (NP_056982.1, residues 405-425): TGEKPYECNI[Cys415=]KVRFTRQDKL

ClinVar aggregate classification (germline): Likely benign. Review status: criteria provided, multiple submitters, no conflicts (2 of 4 stars). 2 submissions from 2 submitters: Likely benign (2). Last evaluated 2026-08-17.

Conditions:
ZBTB7A-related disorder. Also called: ZBTB7A-related condition.

gnomAD v4.1: 4,773 of 1,605,184 alleles (0.3%); highest among the groups gnomAD compares: Non-Finnish European, 0.37%; 12 homozygotes.

Submissions (9):

PreventionGenetics, part of Exact Sciences
Classification: Likely benign for ZBTB7A-related condition. Last evaluated: 2026-08-17. Review status: criteria provided, single submitter. Criteria: ACMG Guidelines, 2015. Collection method: clinical testing. Allele origin: germline.
Comment: This variant is classified as likely benign based on ACMG/AMP sequence variant interpretation guidelines (Richards et al. 2015 PMID: 25741868, with internal and published modifications).

CeGaT Center for Human Genetics Tuebingen
Classification: Likely benign. Last evaluated: 2026-07-01. Review status: criteria provided, single submitter. Criteria: CeGaT Center For Human Genetics Tuebingen Variant Classification Criteria Version 2. Collection method: clinical testing. Allele origin: germline. Affected: yes. Observed: 4 variant alleles.
Comment: ZBTB7A: BP4, BP7, BS1

Dr. Peter K. Rogan Lab, Western University
No classification provided (evidence only). Condition: Malignant tumor of urinary bladder. Review status: no classification provided. Collection method: in vitro. Allele origin: not applicable. Functional consequence: retained intron. Not counted in ClinVar's aggregate classification.

Dr. Peter K. Rogan Lab, Western University
No classification provided (evidence only). Condition: Malignant tumor of urinary bladder. Review status: no classification provided. Collection method: in vitro. Allele origin: not applicable. Functional consequence: retained intron. Not counted in ClinVar's aggregate classification.

Dr. Peter K. Rogan Lab, Western University
No classification provided (evidence only). Condition: Lung cancer. Review status: no classification provided. Collection method: in vitro. Allele origin: not applicable. Functional consequence: retained intron. Not counted in ClinVar's aggregate classification.

Dr. Peter K. Rogan Lab, Western University
No classification provided (evidence only). Condition: Thyroid cancer, nonmedullary, 1. Review status: no classification provided. Collection method: in vitro. Allele origin: not applicable. Functional consequence: retained intron. Not counted in ClinVar's aggregate classification.

Dr. Peter K. Rogan Lab, Western University
No classification provided (evidence only). Condition: Cervical cancer. Review status: no classification provided. Collection method: in vitro. Allele origin: not applicable. Functional consequence: retained intron. Not counted in ClinVar's aggregate classification.

Dr. Peter K. Rogan Lab, Western University
No classification provided (evidence only). Condition: Ovarian serous cystadenocarcinoma. Review status: no classification provided. Collection method: in vitro. Allele origin: not applicable. Functional consequence: retained intron. Not counted in ClinVar's aggregate classification.

Dr. Peter K. Rogan Lab, Western University
No classification provided (evidence only). Condition: Ovarian serous cystadenocarcinoma. Review status: no classification provided. Collection method: in vitro. Allele origin: not applicable. Functional consequence: retained intron. Not counted in ClinVar's aggregate classification.